The following is an entry in ClinVar:

ClinVar aggregate classification (germline): Likely benign. Review status: criteria provided, multiple submitters, no conflicts (2 of 4 stars). 3 submissions from 3 submitters: Likely benign (3). Last evaluated 2025-11-10.

Conditions:
Hereditary cancer-predisposing syndrome. Also called: Neoplastic Syndromes, Hereditary; Tumor predisposition; Hereditary Cancer Syndrome; Hereditary neoplastic syndrome. Identifiers: Orphanet 140162, MedGen C0027672, MeSH D009386, MONDO:0015356.
Gorlin syndrome. Also called: Nevoid Basal Cell Carcinoma Syndrome; Basal cell nevus syndrome. Identifiers: Orphanet 377, MedGen C0004779, MONDO:0007187.

Allele frequency attached by ClinVar (database versions not stated): TOPMed below 0.00001; gnomAD 0.00001.
gnomAD v4.1: 1 of 1,612,130 alleles (0.000062%); highest among the groups gnomAD compares: Non-Finnish European, 0.000085%; no homozygotes.

Submissions (3):

Labcorp Genetics (formerly Invitae), Labcorp
Classification: Likely benign for Gorlin syndrome. Last evaluated: 2025-11-10. Review status: criteria provided, single submitter. Criteria: Invitae Variant Classification Sherloc (09022015). Collection method: clinical testing. Allele origin: germline.

CeGaT Center for Human Genetics Tuebingen
Classification: Likely benign. Last evaluated: 2025-08-01. Review status: criteria provided, single submitter. Criteria: CeGaT Center For Human Genetics Tuebingen Variant Classification Criteria Version 2. Collection method: clinical testing. Allele origin: germline. Affected: yes. Observed: 1 variant allele.
Comment: PTCH1: BP4, BP7

Ambry Genetics
Classification: Likely benign for Hereditary cancer-predisposing syndrome. Last evaluated: 2017-12-28. Review status: criteria provided, single submitter. Criteria: Ambry Variant Classification Scheme 2023. Collection method: clinical testing. Allele origin: germline.

NM_000264.5(PTCH1):c.153C>T (p.His51=)

Genes: PTCH1 (patched 1; minus strand), LOC130002133 (ATAC-STARR-seq lymphoblastoid silent region 20071; plus strand). Cytogenetic location: 9q22.32.
Variant type: single nucleotide variant.
Coding change: c.153C>T on transcript NM_000264.5 (MANE Select); coding-DNA position 153, C replaced by T.
Protein change: p.His51=; no amino-acid change (histidine 51 retained).
Molecular consequence: synonymous variant. On other transcripts: non-coding transcript variant (1), intron variant (3).
Genome position (GRCh38, 1-based): chr9:95,508,209, G>A on the plus strand (C>T on the coding strand, the complement: PTCH1 is on the minus strand). VCF-style: chr9-95508209-G-A. GRCh37 (hg19) VCF-style: chr9-98270491-G-A.
Other names: c.153C>T, p.His51= (NM_001354918.2); c.199-1610C>T (NM_001083603.3); c.4-1610C>T (NM_001083602.3, NM_001354919.2).
Identifiers: ClinVar variation 706494 (VCV000706494.22), dbSNP rs1587700385, ClinGen allele CA466107487.